The following is an entry in ClinVar:

NM_000660.7(TGFB1):c.39_47dup (p.Pro14_Leu16dup)

Gene: TGFB1 (transforming growth factor beta 1; minus strand). Cytogenetic location: 19q13.2.
Variant type: Duplication.
Coding change: c.39_47dup on transcript NM_000660.7 (MANE Select); coding-DNA positions 39 to 47, 9 bases duplicated (ACCGCTGCT; older notation c.39_47dupACCGCTGCT).
Protein change: p.Pro14_Leu16dup.
Molecular consequence: inframe insertion.
Genome position (GRCh38, 1-based): chr19:41,352,998-41,353,006, AGCAGCGGT duplicated on the plus strand (ACCGCTGCT on the coding strand, the reverse complement: TGFB1 is on the minus strand); duplicating any 9 consecutive bases within chr19:41,352,998-41,353,012 gives the same sequence; the c. name uses the placement nearest the transcript's 3' end. VCF-style (leftmost placement, unchanged base first): chr19-41352997-C-CAGCAGCGGT. GRCh37 (hg19) VCF-style: chr19-41858902-C-CAGCAGCGGT.
Identifiers: ClinVar variation 1491380 (VCV001491380.6), dbSNP rs1378404565, ClinGen allele CA633470216.
Genomic context (GRCh38, chr19:41,352,997, plus strand): 5'-GATAGTCTTGCAGGTGGATAGTCCCGCGGCCGGCCGGCCAGGCGTCAGCACCAGTAGCCA[C>CAGCAGCGGT]AGCAGCGGTAGCAGCAGCGGCAGCAGCCGCAGCCCGGAGGGCGGCATGGGGGAGGCGGCG-3'

ClinVar aggregate classification (germline): Uncertain significance (1 of 4 stars; one submission).

Submission:

Labcorp Genetics (formerly Invitae), Labcorp
Classification: Uncertain significance. Last evaluated: 2025-10-09. Review status: criteria provided, single submitter. Criteria: Invitae Variant Classification Sherloc (09022015). Collection method: clinical testing. Allele origin: germline.
Comment: This variant, c.39_47dup, results in the insertion of 3 amino acid(s) of the TGFB1 protein (p.Pro14_Leu16dup), but otherwise preserves the integrity of the reading frame. This variant is present in population databases (no rsID available, gnomAD 0.02%). This variant has not been reported in the literature in individuals affected with TGFB1-related conditions. ClinVar contains an entry for this variant (Variation ID: 1491380). Experimental studies and prediction algorithms are not available or were not evaluated, and the functional significance of this variant is currently unknown. In summary, the available evidence is currently insufficient to determine the role of this variant in disease. Therefore, it has been classified as a Variant of Uncertain Significance.